The following is an entry in ClinVar:

ClinVar aggregate classification (germline): Uncertain significance (1 of 4 stars; one submission).

Conditions:
Congenital disorder of glycosylation, type Iaa. Also called: Congenital disorder of glycosylation, type 1aa. Identifiers: MedGen C4310727, MONDO:0014904, OMIM 617082.

Allele frequency attached by ClinVar (database versions not stated): gnomAD exomes 0.00001 and below 0.00001; TOPMed below 0.00001; gnomAD 0.00001.
gnomAD v4.1: 7 of 1,549,814 alleles (0.00045%); highest among the groups gnomAD compares: African/African-American, 0.0055%; no homozygotes.

Submission:

Labcorp Genetics (formerly Invitae), Labcorp
Classification: Uncertain significance for Congenital disorder of glycosylation, type Iaa. Last evaluated: 2024-08-05. Review status: criteria provided, single submitter. Criteria: Invitae Variant Classification Sherloc (09022015). Collection method: clinical testing. Allele origin: germline.
Comment: This sequence change replaces isoleucine, which is neutral and non-polar, with methionine, which is neutral and non-polar, at codon 117 of the NUS1 protein (p.Ile117Met). This variant is present in population databases (no rsID available, gnomAD 0.008%). This missense change has been observed in individual(s) with Parkinson disease (PMID: 30348779). ClinVar contains an entry for this variant (Variation ID: 1477931). An algorithm developed to predict the effect of missense changes on protein structure and function (PolyPhen-2) suggests that this variant is likely to be disruptive. In summary, the available evidence is currently insufficient to determine the role of this variant in disease. Therefore, it has been classified as a Variant of Uncertain Significance.

Literature cited by the submitters: PubMed 30348779.

NM_138459.5(NUS1):c.351C>G (p.Ile117Met)

Gene: NUS1 (NUS1 dehydrodolichyl diphosphate synthase subunit; plus strand). Cytogenetic location: 6q22.1.
Variant type: single nucleotide variant.
Coding change: c.351C>G on transcript NM_138459.5 (MANE Select); coding-DNA position 351, C replaced by G.
Protein change: p.Ile117Met; replaces isoleucine 117 with methionine.
Molecular consequence: missense variant.
Genome position (GRCh38, 1-based): chr6:117,676,021, C>G. VCF-style: chr6-117676021-C-G. GRCh37 (hg19) VCF-style: chr6-117997184-C-G.
Other names: short protein forms I117M.
Identifiers: ClinVar variation 1477931 (VCV001477931.8), dbSNP rs1344911571, ClinGen allele CA365536430.
Genomic context (GRCh38, chr6:117,676,021, plus strand): 5'-GCCTGTGCATATGGGCCTGGTGATCACCGAGGTGGAGCAGGAACCCAGCTTCTCGGACAT[C>G]GCGAGCCTCGTGGTGTGGTGTATGGCCGTGGGCATCTCCTACATTAGCGTCTACGACCAC-3'
Protein context (NP_612468.1, residues 107-127): EVEQEPSFSD[Ile117Met]ASLVVWCMAV